The following is an entry in ClinVar:

NM_000257.4(MYH7):c.531-174C>T

Gene: MYH7 (myosin heavy chain 7; minus strand). Cytogenetic location: 14q11.2.
Variant type: single nucleotide variant.
Coding change: c.531-174C>T on transcript NM_000257.4 (MANE Select); 174 bases into the intron before coding-DNA position 531, C replaced by T.
Molecular consequence: intron variant.
Genome position (GRCh38, 1-based): chr14:23,432,043, G>A on the plus strand (C>T on the coding strand, the complement: MYH7 is on the minus strand). VCF-style: chr14-23432043-G-A. GRCh37 (hg19) VCF-style: chr14-23901252-G-A.
Identifiers: ClinVar variation 671922 (VCV000671922.2), dbSNP rs7151241, ClinGen allele CA257826203.
Genomic context (GRCh38, chr14:23,432,043, plus strand): 5'-TGCCAGGTTATCTACACCCAAAATCCACAACTGTCTTCTGATGCACAGAGGTCAGGGCTG[G>A]CACCAGGAAGGATGCCACCAGAAGGCACTGGTTTGGGCAGGCTGAGCCTGTGCTTGGCTG-3'

ClinVar aggregate classification (germline): Benign. Review status: criteria provided, multiple submitters, no conflicts (2 of 4 stars). 2 submissions from 2 submitters: Benign (2). Last evaluated 2018-06-14.

Allele frequency attached by ClinVar (database versions not stated): gnomAD 0.19881 and 0.20775; 1000 Genomes Project 0.19908; 1000 Genomes Project 30x 0.20440; TOPMed 0.21346.
gnomAD v4.1: 30,083 of 152,198 alleles (20%); highest among the groups gnomAD compares: African/African-American, 50%; 5,626 homozygotes.

Submissions (2):

GeneDx
Classification: Benign. Last evaluated: 2018-06-14. Review status: criteria provided, single submitter. Criteria: GeneDx Variant Classification (06012015). Collection method: clinical testing. Allele origin: germline. Affected: yes.
Comment: This variant is considered likely benign or benign based on one or more of the following criteria: it is a conservative change, it occurs at a poorly conserved position in the protein, it is predicted to be benign by multiple in silico algorithms, and/or has population frequency not consistent with disease.

Breakthrough Genomics
Classification: Benign. Review status: criteria provided, single submitter. Criteria: ACMG Guidelines, 2015. Collection method: not provided. Allele origin: germline. Inheritance: Autosomal recessive inheritance. Affected: yes.